The following is an entry in ClinVar:

ClinVar aggregate classification (germline): Likely benign (1 of 4 stars; one submission).

Conditions:
IKZF2-related condition.

gnomAD v4.1: 833 of 1,611,298 alleles (0.052%); highest among the groups gnomAD compares: Middle Eastern, 0.083%; 3 homozygotes.

Submission:

PreventionGenetics, part of Exact Sciences
Classification: Likely benign for IKZF2-related condition. Last evaluated: 2025-04-21. Review status: criteria provided, single submitter. Criteria: ACMG Guidelines, 2015. Collection method: clinical testing. Allele origin: germline.
Comment: This variant is classified as likely benign based on ACMG/AMP sequence variant interpretation guidelines (Richards et al. 2015 PMID: 25741868, with internal and published modifications).

NM_001387220.1(IKZF2):c.-2C>T

Gene: IKZF2 (IKAROS family zinc finger 2; minus strand). Cytogenetic location: 2q34.
Variant type: single nucleotide variant.
Coding change: c.-2C>T on transcript NM_001387220.1 (MANE Select); 2 bases upstream of the start codon, C replaced by T.
Molecular consequence: 5 prime UTR variant.
Genome position (GRCh38, 1-based): chr2:213,148,631, G>A on the plus strand (C>T on the coding strand, the complement: IKZF2 is on the minus strand). VCF-style: chr2-213148631-G-A. GRCh37 (hg19) VCF-style: chr2-214013355-G-A.
Other names: c.-2C>T (NM_001079526.2, NM_001371274.1, NM_001371275.1 and 3 more transcripts).
Identifiers: ClinVar variation 4982510 (VCV004982510.1).